The following is an entry in ClinVar:

ClinVar aggregate classification (germline): Conflicting classifications of pathogenicity. Review status: criteria provided, conflicting classifications (1 of 4 stars). 4 submissions from 4 submitters: Likely pathogenic (2); Uncertain significance (2). Last evaluated 2026-01-25.

Conditions:
Retinitis pigmentosa 25 (RP25). Identifiers: Orphanet 791, MedGen C1864446, MONDO:0011272, OMIM 602772.
EYS-related disorder. Also called: EYS-related condition.

Allele frequency attached by ClinVar (database versions not stated): gnomAD 0.00003; TOPMed 0.00009; ExAC 0.00019; gnomAD exomes 0.00025.
gnomAD v4.1: 97 of 1,613,942 alleles (0.006%); highest among the groups gnomAD compares: Admixed American, 0.14%; 1 homozygote.

Submissions (4):

Labcorp Genetics (formerly Invitae), Labcorp
Classification: Likely pathogenic. Last evaluated: 2026-01-25. Review status: criteria provided, single submitter. Criteria: Invitae Variant Classification Sherloc (09022015). Collection method: clinical testing. Allele origin: germline.
Comment: This sequence change replaces cysteine, which is neutral and slightly polar, with phenylalanine, which is neutral and non-polar, at codon 211 of the EYS protein (p.Cys211Phe). This variant is present in population databases (rs772707303, gnomAD 0.2%). This missense change has been observed in individuals with clinical features of retinal dystrophy (internal data). ClinVar contains an entry for this variant (Variation ID: 357746). Invitae Evidence Modeling of protein sequence and biophysical properties (such as structural, functional, and spatial information, amino acid conservation, physicochemical variation, residue mobility, and thermodynamic stability) indicates that this missense variant is not expected to disrupt EYS protein function with a negative predictive value of 80%. This variant disrupts the p.Cys211 amino acid residue in EYS. Other variant(s) that disrupt this residue have been determined to be pathogenic (PMID: 31213501). This suggests that this residue is clinically significant, and that variants that disrupt this residue are likely to be disease-causing. In summary, the currently available evidence indicates that the variant is pathogenic, but additional data are needed to prove that conclusively. Therefore, this variant has been classified as Likely Pathogenic.

PreventionGenetics, part of Exact Sciences
Classification: Uncertain significance for EYS-related condition. Last evaluated: 2025-04-16. Review status: criteria provided, single submitter. Criteria: ACMG Guidelines, 2015. Collection method: clinical testing. Allele origin: germline.
Comment: The EYS c.632G>T variant is predicted to result in the amino acid substitution p.Cys211Phe. To our knowledge, this variant has not been reported in the literature. An alternate substitution of this amino acid residue (p.Cys211Tyr) has been reported many times in individuals with retinitis pigmentosa (see for example: Arai et al. 2015. PubMed ID: 26161267). This variant is present in 0.18% of alleles in individuals of Latino descent in gnomAD, indicating it is relatively common in this population. Although we suspect that this variant may be pathogenic, at this time, the clinical significance of this variant is uncertain due to the absence of conclusive functional and genetic evidence.

Fulgent Genetics
Classification: Likely pathogenic for Retinitis pigmentosa 25. Last evaluated: 2024-06-22. Review status: criteria provided, single submitter. Criteria: ACMG Guidelines, 2015. Collection method: clinical testing. Allele origin: germline.

Blueprint Genetics
Classification: Uncertain significance. Last evaluated: 2023-08-22. Review status: criteria provided, single submitter. Criteria: ACMG Guidelines, 2015. Collection method: clinical testing. Allele origin: germline.

Literature cited by the submitters: PubMed 31213501 (cited by Labcorp Genetics (formerly Invitae), Labcorp).

NM_001142800.2(EYS):c.632G>T (p.Cys211Phe)

Gene: EYS (EGF-like photoreceptor maintenance factor; minus strand). Cytogenetic location: 6q12.
Variant type: single nucleotide variant.
Coding change: c.632G>T on transcript NM_001142800.2 (MANE Select); coding-DNA position 632, G replaced by T.
Protein change: p.Cys211Phe; replaces cysteine 211 with phenylalanine.
Molecular consequence: missense variant.
Genome position (GRCh38, 1-based): chr6:65,494,779, C>A on the plus strand (G>T on the coding strand, the complement: EYS is on the minus strand). VCF-style: chr6-65494779-C-A. GRCh37 (hg19) VCF-style: chr6-66204672-C-A.
Other names: c.632G>T, p.Cys211Phe (NM_001142801.2, NM_001292009.2, NM_198283.2); short protein forms C211F.
Identifiers: ClinVar variation 357746 (VCV000357746.14), dbSNP rs772707303, ClinGen allele CA3878045.